The following is an entry in ClinVar:

ClinVar aggregate classification (germline): Conflicting classifications of pathogenicity. Review status: criteria provided, conflicting classifications (1 of 4 stars). 2 submissions from 2 submitters: Uncertain significance (1); Likely benign (1). Last evaluated 2024-09-20.

Conditions:
Ritscher-Schinzel syndrome 1 (RTSC1). Identifiers: Orphanet 7, MedGen C4551776, MONDO:0009073, OMIM 220210.
Hereditary spastic paraplegia 8 (SPG8). Also called: SPASTIC PARAPLEGIA 8, AUTOSOMAL DOMINANT. Identifiers: Orphanet 100989, MedGen C1863704, MONDO:0011339, OMIM 603563.
Ritscher-Schinzel syndrome. Also called: CRANIOCEREBELLOCARDIAC DYSPLASIA. Identifiers: Orphanet 7, MedGen C0796137, MONDO:0019078.

Allele frequency attached by ClinVar (database versions not stated): ExAC 0.00001; gnomAD exomes 0.00001.
gnomAD v4.1: 4 of 1,614,012 alleles (0.00025%); highest among the groups gnomAD compares: Middle Eastern, 0.05%; no homozygotes.

Submissions (2):

3billion
Classification: Likely benign for Ritscher-Schinzel syndrome 1. Last evaluated: 2024-09-20. Review status: criteria provided, single submitter. Criteria: ACMG Guidelines, 2015. Collection method: clinical testing. Allele origin: germline. Affected: no.
Comment: The homozygous variant was found in patients with no symptoms related to the gene containing the homozygous variant.

Labcorp Genetics (formerly Invitae), Labcorp
Classification: Uncertain significance for Ritscher-Schinzel syndrome; Hereditary spastic paraplegia 8. Last evaluated: 2021-01-20. Review status: criteria provided, single submitter. Criteria: Invitae Variant Classification Sherloc (09022015). Collection method: clinical testing. Allele origin: germline.
Comment: This sequence change replaces glutamic acid with aspartic acid at codon 245 of the WASHC5 protein (p.Glu245Asp). The glutamic acid residue is moderately conserved and there is a small physicochemical difference between glutamic acid and aspartic acid. This variant is present in population databases (rs765982075, ExAC 0.001%). This variant has not been reported in the literature in individuals with WASHC5-related conditions. Algorithms developed to predict the effect of missense changes on protein structure and function (SIFT, PolyPhen-2, Align-GVGD) all suggest that this variant is likely to be tolerated, but these predictions have not been confirmed by published functional studies and their clinical significance is uncertain. In summary, the available evidence is currently insufficient to determine the role of this variant in disease. Therefore, it has been classified as a Variant of Uncertain Significance.

NM_014846.4(WASHC5):c.735G>C (p.Glu245Asp)

Gene: WASHC5 (WASH complex subunit 5; minus strand). Cytogenetic location: 8q24.13.
Variant type: single nucleotide variant.
Coding change: c.735G>C on transcript NM_014846.4 (MANE Select); coding-DNA position 735, G replaced by C.
Protein change: p.Glu245Asp; replaces glutamic acid 245 with aspartic acid.
Molecular consequence: missense variant.
Genome position (GRCh38, 1-based): chr8:125,076,477, C>G on the plus strand (G>C on the coding strand, the complement: WASHC5 is on the minus strand). VCF-style: chr8-125076477-C-G. GRCh37 (hg19) VCF-style: chr8-126088719-C-G.
Other names: c.291G>C, p.Glu97Asp (NM_001330609.2); short protein forms E245D, E97D.
Identifiers: ClinVar variation 935991 (VCV000935991.10), dbSNP rs765982075, ClinGen allele CA4874019.